The following is an entry in ClinVar:

ClinVar aggregate classification (germline): Pathogenic. Review status: criteria provided, multiple submitters, no conflicts (2 of 4 stars). 5 submissions from 5 submitters: Pathogenic (5). Last evaluated 2026-07-13.

Conditions:
NTRK1-related disorder. Also called: NTRK1-related condition.
Hereditary insensitivity to pain with anhidrosis (CIPA). Also called: NTRK1 Congenital Insensitivity to Pain with Anhidrosis; FAMILIAL DYSAUTONOMIA, TYPE II; INSENSITIVITY TO PAIN, CONGENITAL, WITH ANHIDROSIS; HSAN Type IV; NEUROPATHY, CONGENITAL SENSORY, WITH ANHIDROSIS; hereditary sensory and autonomic neuropathy type 4. Identifiers: Orphanet 642, MedGen C0020074, MONDO:0009746, OMIM 256800.

Allele frequency attached by ClinVar (database versions not stated): gnomAD 0.00001 and 0.00002; gnomAD exomes 0.00001; TOPMed 0.00001; ESP Exome Variant Server 0.00008.
gnomAD v4.1: 14 of 1,613,856 alleles (0.00087%); highest among the groups gnomAD compares: East Asian, 0.0045%; no homozygotes.

Submissions (5):

PreventionGenetics, part of Exact Sciences
Classification: Pathogenic for NTRK1-related condition. Last evaluated: 2026-07-13. Review status: criteria provided, single submitter. Criteria: ACMG Guidelines, 2015. Collection method: clinical testing. Allele origin: germline.
Comment: The NTRK1 c.1945C>T variant is predicted to result in the amino acid substitution p.Arg649Trp. This variant has been reported in the compound heterozygous and homozygous states in individuals with congenital insensitivity to pain with anhidrosis (Mardy et al. 1999. PubMed ID: 10330344; Geng et al. 2018. PubMed ID: 29770739; Li et al. 2012. PubMed ID: 22653642; described as p.Arg643Trp, Xu et al. 2024. PubMed ID: 38241559). In vivo and in vitro experimental studies suggest this variant impacts protein function (Mardy et al. 2001. PubMed ID: 11159935; reported as p.Arg643Trp, Miranda et al. 2002. PubMed ID: 11719521; Pacifico et al. 2023. PubMed ID: 36537577). This variant is reported in 0.0050% of alleles in individuals of East Asian descent in gnomAD. This variant is interpreted as pathogenic.

Natera, Inc.
Classification: Pathogenic for Hereditary insensitivity to pain with anhidrosis. Last evaluated: 2025-12-22. Review status: criteria provided, single submitter. Criteria: Natera Variant Classification Schema (03/2026). Collection method: clinical testing. Allele origin: germline.
Comment: The c.1927C>T variant in NTRK1 is a missense variant predicted to cause substitution of arginine to tryptophan at amino acid 643. This variant is rare in the general population with a frequency below the threshold expected for the associated phenotype(s). This variant has been observed in one or more individuals affected with the associated recessive disease, as either homozygous or compound heterozygous with a second variant (PMID: 10330344, 38833577). Computational prediction algorithms indicate this variant is likely to affect gene or protein function. Given the available evidence, this variant is classified as Pathogenic.

Labcorp Genetics (formerly Invitae), Labcorp
Classification: Pathogenic for Hereditary insensitivity to pain with anhidrosis. Last evaluated: 2024-07-29. Review status: criteria provided, single submitter. Criteria: Invitae Variant Classification Sherloc (09022015). Collection method: clinical testing. Allele origin: germline.
Comment: This sequence change replaces arginine, which is basic and polar, with tryptophan, which is neutral and slightly polar, at codon 643 of the NTRK1 protein (p.Arg643Trp). This variant is present in population databases (rs369353892, gnomAD 0.005%). This missense change has been observed in individual(s) with hereditary sensory and autonomic neuropathy (PMID: 10330344, 22653642, 29770739). In at least one individual the data is consistent with being in trans (on the opposite chromosome) from a pathogenic variant. ClinVar contains an entry for this variant (Variation ID: 834440). Advanced modeling of protein sequence and biophysical properties (such as structural, functional, and spatial information, amino acid conservation, physicochemical variation, residue mobility, and thermodynamic stability) has been performed at Invitae for this missense variant, however the output from this modeling did not meet the statistical confidence thresholds required to predict the impact of this variant on NTRK1 protein function. Experimental studies have shown that this missense change affects NTRK1 function (PMID: 11159935, 11719521). This variant disrupts the p.Arg643 amino acid residue in NTRK1. Other variant(s) that disrupt this residue have been observed in individuals with NTRK1-related conditions (PMID: 28328124), which suggests that this may be a clinically significant amino acid residue. For these reasons, this variant has been classified as Pathogenic.

Women's Health and Genetics/Laboratory Corporation of America, LabCorp
Classification: Pathogenic for Hereditary insensitivity to pain with anhidrosis. Last evaluated: 2023-08-10. Review status: criteria provided, single submitter. Criteria: LabCorp Variant Classification Summary - May 2015. Collection method: clinical testing. Allele origin: germline.
Comment: Variant summary: NTRK1 c.1927C>T (p.Arg643Trp) results in a non-conservative amino acid change located in the protein kinase domain (IPR000719) of the encoded protein sequence. Five of five in-silico tools predict a damaging effect of the variant on protein function. The variant allele was found at a frequency of 8e-06 in 250656 control chromosomes (gnomAD). c.1927C>T has been reported in the literature as a biallelic genotype in individuals affected with Hereditary Insensitivity To Pain With Anhidrosis, including at least one case where it was confirmed to be in trans with a pathogenic variant (e.g. Mardy_1999, Li_2012, Geng_2018). These data indicate that the variant is likely to be associated with disease. At least two publications report experimental evidence evaluating an impact on protein function in vitro and both showed that autophosphorylation of the variant protein following stimulation with NGF was undetectable, indicating that receptor activity was severely diminished (e.g. Mardy_2001, Miranda_2002). The following publications have been ascertained in the context of this evaluation (PMID: 29770739, 22653642, 10330344, 11159935, 11719521). One submitter has cited a clinical-significance assessment for this variant to ClinVar after 2014 and has classified the variant as pathogenic. Based on the evidence outlined above, the variant was classified as pathogenic.

Genome-Nilou Lab
Classification: Pathogenic for Hereditary insensitivity to pain with anhidrosis. Last evaluated: 2023-04-11. Review status: criteria provided, single submitter. Criteria: ACMG Guidelines, 2015. Collection method: clinical testing. Allele origin: germline. Affected: no.

Literature cited by the submitters: PubMed 10330344 (cited by 3 submitters); PubMed 38833577 (cited by Natera, Inc.); PubMed 22653642 (cited by Labcorp Genetics (formerly Invitae), Labcorp and Women's Health and Genetics/Laboratory Corporation of America, LabCorp); PubMed 29770739 (cited by Labcorp Genetics (formerly Invitae), Labcorp and Women's Health and Genetics/Laboratory Corporation of America, LabCorp); PubMed 11159935 (cited by Labcorp Genetics (formerly Invitae), Labcorp and Women's Health and Genetics/Laboratory Corporation of America, LabCorp); PubMed 11719521 (cited by Labcorp Genetics (formerly Invitae), Labcorp and Women's Health and Genetics/Laboratory Corporation of America, LabCorp); PubMed 28328124 (cited by Labcorp Genetics (formerly Invitae), Labcorp).

NM_002529.4(NTRK1):c.1945C>T (p.Arg649Trp)

Gene: NTRK1 (neurotrophic receptor tyrosine kinase 1; plus strand). Cytogenetic location: 1q23.1.
Variant type: single nucleotide variant.
Coding change: c.1945C>T on transcript NM_002529.4 (MANE Select); coding-DNA position 1945, C replaced by T.
Protein change: p.Arg649Trp; replaces arginine 649 with tryptophan.
Molecular consequence: missense variant.
Genome position (GRCh38, 1-based): chr1:156,879,261, C>T. VCF-style: chr1-156879261-C-T. GRCh37 (hg19) VCF-style: chr1-156849053-C-T.
Other names: c.1945C>T (NM_002529.3); c.1837C>T, p.Arg613Trp (NM_001007792.1); c.1927C>T, p.Arg643Trp (NM_001012331.2); short protein forms R643W, R649W, R613W.
Identifiers: ClinVar variation 834440 (VCV000834440.12), dbSNP rs369353892, ClinGen allele CA31123437.